The following is an entry in ClinVar:

NM_001257096.2(PAX1):c.465C>G (p.Asn155Lys)

Gene: PAX1 (paired box 1; plus strand). Cytogenetic location: 20p11.22.
Variant type: single nucleotide variant.
Coding change: c.465C>G on transcript NM_001257096.2 (MANE Select); coding-DNA position 465, C replaced by G.
Protein change: p.Asn155Lys; replaces asparagine 155 with lysine.
Molecular consequence: missense variant.
Genome position (GRCh38, 1-based): chr20:21,706,616, C>G. VCF-style: chr20-21706616-C-G. GRCh37 (hg19) VCF-style: chr20-21687254-C-G.
Other names: c.465C>G, p.Asn155Lys (NM_006192.5); short protein forms N155K.
Identifiers: ClinVar variation 1360510 (VCV001360510.6), dbSNP rs765104212, ClinGen allele CA408498034.

ClinVar aggregate classification (germline): Uncertain significance (1 of 4 stars; one submission).

Submission:

Labcorp Genetics (formerly Invitae), Labcorp
Classification: Uncertain significance. Last evaluated: 2022-12-06. Review status: criteria provided, single submitter. Criteria: Invitae Variant Classification Sherloc (09022015). Collection method: clinical testing. Allele origin: germline.
Comment: This sequence change replaces asparagine, which is neutral and polar, with lysine, which is basic and polar, at codon 155 of the PAX1 protein (p.Asn155Lys). This variant is present in population databases (no rsID available, gnomAD 0.006%). In summary, the available evidence is currently insufficient to determine the role of this variant in disease. Therefore, it has been classified as a Variant of Uncertain Significance. Advanced modeling of protein sequence and biophysical properties (such as structural, functional, and spatial information, amino acid conservation, physicochemical variation, residue mobility, and thermodynamic stability) performed at Invitae indicates that this missense variant is not expected to disrupt PAX1 protein function. ClinVar contains an entry for this variant (Variation ID: 1360510). This variant has not been reported in the literature in individuals affected with PAX1-related conditions.